The following is an entry in ClinVar:

NM_177438.3(DICER1):c.1085A>G (p.His362Arg)

Gene: DICER1 (dicer 1, ribonuclease III; minus strand). Cytogenetic location: 14q32.13.
Variant type: single nucleotide variant.
Coding change: c.1085A>G on transcript NM_177438.3 (MANE Select); coding-DNA position 1085, A replaced by G.
Protein change: p.His362Arg; replaces histidine 362 with arginine.
Molecular consequence: missense variant.
Genome position (GRCh38, 1-based): chr14:95,124,487, T>C on the plus strand (A>G on the coding strand, the complement: DICER1 is on the minus strand). VCF-style: chr14-95124487-T-C. GRCh37 (hg19) VCF-style: chr14-95590824-T-C.
Other names: c.1085A>G, p.His362Arg (NM_001195573.1, NM_001271282.3, NM_001291628.2 and 1 more transcripts); short protein forms H362R.
Identifiers: ClinVar variation 412134 (VCV000412134.17), dbSNP rs767729028, ClinGen allele CA7331530.

ClinVar aggregate classification (germline): Uncertain significance. Review status: criteria provided, multiple submitters, no conflicts (2 of 4 stars). 3 submissions from 3 submitters: Uncertain significance (3). Last evaluated 2025-12-20.

Conditions:
Hereditary cancer-predisposing syndrome. Also called: Hereditary neoplastic syndrome; Neoplastic Syndromes, Hereditary; Tumor predisposition; Hereditary Cancer Syndrome. Identifiers: Orphanet 140162, MedGen C0027672, MeSH D009386, MONDO:0015356.
Global developmental delay - lung cysts - overgrowth - Wilms tumor syndrome. Also called: GLOW Syndrome; GLOBAL DEVELOPMENTAL DELAY, LUNG CYSTS, OVERGROWTH, AND WILMS TUMOR. Identifiers: Orphanet 404476, MedGen C4748924, MONDO:0018445, OMIM 618272.
DICER1-related tumor predisposition. Also called: DICER1-related pleuropulmonary blastoma cancer predisposition syndrome; DICER1 syndrome. Identifiers: Orphanet 284343, MedGen C3839822, MONDO:0100216.

Allele frequency attached by ClinVar (database versions not stated): gnomAD exomes below 0.00001 and 0.00001; ExAC 0.00001; TOPMed 0.00002; gnomAD 0.00003 and 0.00004.
gnomAD v4.1: 7 of 1,614,052 alleles (0.00043%); highest among the groups gnomAD compares: African/African-American, 0.0067%; no homozygotes.

Submissions (3):

Labcorp Genetics (formerly Invitae), Labcorp
Classification: Uncertain significance for DICER1-related tumor predisposition. Last evaluated: 2025-12-20. Review status: criteria provided, single submitter. Criteria: Invitae Variant Classification Sherloc (09022015). Collection method: clinical testing. Allele origin: germline.
Comment: This sequence change replaces histidine, which is basic and polar, with arginine, which is basic and polar, at codon 362 of the DICER1 protein (p.His362Arg). This variant is present in population databases (rs767729028, gnomAD 0.01%). This variant has not been reported in the literature in individuals affected with DICER1-related conditions. ClinVar contains an entry for this variant (Variation ID: 412134). Invitae Evidence Modeling of protein sequence and biophysical properties (such as structural, functional, and spatial information, amino acid conservation, physicochemical variation, residue mobility, and thermodynamic stability) indicates that this missense variant is not expected to disrupt DICER1 protein function with a negative predictive value of 95%. In summary, the available evidence is currently insufficient to determine the role of this variant in disease. Therefore, it has been classified as a Variant of Uncertain Significance.

Ambry Genetics
Classification: Uncertain significance for Hereditary cancer-predisposing syndrome. Last evaluated: 2024-11-01. Review status: criteria provided, single submitter. Criteria: Ambry Variant Classification Scheme 2023. Collection method: clinical testing. Allele origin: germline.
Comment: The p.H362R variant (also known as c.1085A>G), located in coding exon 7 of the DICER1 gene, results from an A to G substitution at nucleotide position 1085. The histidine at codon 362 is replaced by arginine, an amino acid with highly similar properties. This amino acid position is well conserved in available vertebrate species. In addition, this alteration is predicted to be tolerated by in silico analysis. Based on the available evidence, the clinical significance of this variant remains unclear.

Baylor Genetics
Classification: Uncertain significance for Global developmental delay - lung cysts - overgrowth - Wilms tumor syndrome. Last evaluated: 2023-11-28. Review status: criteria provided, single submitter. Criteria: ACMG Guidelines, 2015. Collection method: clinical testing. Allele origin: unknown.